The following is an entry in ClinVar:

ClinVar aggregate classification (germline): Uncertain significance (1 of 4 stars; one submission).

Conditions:
Ataxia-telangiectasia syndrome (AT). Also called: AT, COMPLEMENTATION GROUP C; Ataxia telangiectasia (A-T); Cerebello-oculocutaneous telangiectasia; Immunodeficiency with ataxia telangiectasia; LOUIS-BAR SYNDROME; Ataxia-telangiectasia. Identifiers: Orphanet 100, MedGen C0004135, MONDO:0008840, OMIM 208900.

Submission:

Labcorp Genetics (formerly Invitae), Labcorp
Classification: Uncertain significance for Ataxia-telangiectasia syndrome. Last evaluated: 2019-09-29. Review status: criteria provided, single submitter. Criteria: Invitae Variant Classification Sherloc (09022015). Collection method: clinical testing. Allele origin: germline.
Comment: In summary, the available evidence is currently insufficient to determine the role of this variant in disease. Therefore, it has been classified as a Variant of Uncertain Significance. Algorithms developed to predict the effect of missense changes on protein structure and function (SIFT, PolyPhen-2, Align-GVGD) all suggest that this variant is likely to be tolerated, but these predictions have not been confirmed by published functional studies and their clinical significance is uncertain. This variant has not been reported in the literature in individuals with ATM-related conditions. This variant is not present in population databases (ExAC no frequency). This sequence change replaces valine with leucine at codon 607 of the ATM protein (p.Val607Leu). The valine residue is weakly conserved and there is a small physicochemical difference between valine and leucine.

NM_000051.4(ATM):c.1819G>T (p.Val607Leu)

Gene: ATM (ATM serine/threonine kinase; plus strand). Cytogenetic location: 11q22.3.
Variant type: single nucleotide variant.
Coding change: c.1819G>T on transcript NM_000051.4 (MANE Select); coding-DNA position 1819, G replaced by T.
Protein change: p.Val607Leu; replaces valine 607 with leucine.
Molecular consequence: missense variant.
Genome position (GRCh38, 1-based): chr11:108,252,833, G>T. VCF-style: chr11-108252833-G-T. GRCh37 (hg19) VCF-style: chr11-108123560-G-T.
Other names: c.1819G>T, p.Val607Leu (NM_001351834.2); short protein forms V607L.
Identifiers: ClinVar variation 960012 (VCV000960012.7), dbSNP rs878853489, ClinGen allele CA382535744.